The following is an entry in ClinVar:

ClinVar aggregate classification (germline): Uncertain significance (1 of 4 stars; one submission).

Conditions:
Inborn genetic diseases. Identifiers: MedGen C0950123, MeSH D030342.

Allele frequency attached by ClinVar (database versions not stated): gnomAD exomes below 0.00001; ExAC 0.00001; TOPMed 0.00002.
gnomAD v4.1: 6 of 1,547,382 alleles (0.00039%); highest among the groups gnomAD compares: African/African-American, 0.0014%; no homozygotes.

Submission:

Ambry Genetics
Classification: Uncertain significance for Inborn genetic diseases. Last evaluated: 2024-01-16. Review status: criteria provided, single submitter. Criteria: Ambry Variant Classification Scheme 2023. Collection method: clinical testing. Allele origin: germline.
Comment: The p.P471L variant (also known as c.1412C>T), located in coding exon 10 of the ACD gene, results from a C to T substitution at nucleotide position 1412. The proline at codon 471 is replaced by leucine, an amino acid with similar properties. This amino acid position is conserved. In addition, this alteration is predicted to be tolerated by in silico analysis. Since supporting evidence is limited at this time, the clinical significance of this alteration remains unclear.

NM_001082486.2(ACD):c.1154C>T (p.Pro385Leu)

Gene: ACD (ACD shelterin complex subunit and telomerase recruitment factor; minus strand). Cytogenetic location: 16q22.1.
Variant type: single nucleotide variant.
Coding change: c.1154C>T on transcript NM_001082486.2 (MANE Select); coding-DNA position 1154, C replaced by T.
Protein change: p.Pro385Leu; replaces proline 385 with leucine.
Molecular consequence: missense variant.
Genome position (GRCh38, 1-based): chr16:67,658,038, G>A on the plus strand (C>T on the coding strand, the complement: ACD is on the minus strand). VCF-style: chr16-67658038-G-A. GRCh37 (hg19) VCF-style: chr16-67691941-G-A.
Other names: c.1067C>T, p.Pro356Leu (NM_001410884.1); c.1145C>T, p.Pro382Leu (NM_022914.3); short protein forms P385L, P382L, P356L.
Identifiers: ClinVar variation 1772065 (VCV001772065.2), dbSNP rs751734599, ClinGen allele CA8114429.